The following is an entry in ClinVar:

ClinVar aggregate classification (germline): Uncertain significance. Review status: criteria provided, multiple submitters, no conflicts (2 of 4 stars). 2 submissions from 2 submitters: Uncertain significance (2). Last evaluated 2021-02-06.

Submissions (2):

Labcorp Genetics (formerly Invitae), Labcorp
Classification: Uncertain significance. Last evaluated: 2021-02-06. Review status: criteria provided, single submitter. Criteria: Invitae Variant Classification Sherloc (09022015). Collection method: clinical testing. Allele origin: germline.
Comment: In summary, the available evidence is currently insufficient to determine the role of this variant in disease. Therefore, it has been classified as a Variant of Uncertain Significance. Experimental studies and prediction algorithms are not available or were not evaluated, and the functional significance of this variant is currently unknown. This variant has not been reported in the literature in individuals with GUF1-related conditions. This variant is present in population databases (rs758138995, ExAC 0.002%). This variant, c.1284_1286del, results in the deletion of 1 amino acid(s) of the GUF1 protein (p.Thr429del), but otherwise preserves the integrity of the reading frame.

Breakthrough Genomics
Classification: Uncertain significance. Review status: criteria provided, single submitter. Criteria: ACMG Guidelines, 2015. Collection method: not provided. Allele origin: germline. Inheritance: Autosomal recessive inheritance. Affected: yes.

NM_021927.3(GUF1):c.1281AAC[1] (p.Thr429del)

Gene: GUF1 (GTP binding elongation factor GUF1; plus strand). Cytogenetic location: 4p12.
Variant type: Microsatellite.
Coding change: c.1281AAC[1] on transcript NM_021927.3 (MANE Select); one copy of the 3-base unit AAC starting at c.1281; the reference has two copies in a row; one copy, 3 bases deleted.
Protein change: p.Thr429del; deletes threonine 429.
Molecular consequence: inframe deletion.
Genome position (GRCh38, 1-based): chr4:44,689,924-44,689,926, AAC deleted; deleting any 3 consecutive bases within chr4:44,689,921-44,689,926 gives the same sequence; the position shown is the placement nearest the transcript's 3' end. VCF-style (leftmost placement, unchanged base first): chr4-44689920-TAAC-T. GRCh37 (hg19) VCF-style: chr4-44691937-TAAC-T.
Other names: c.309AAC[1], p.Thr105del (NM_001345867.2, NM_001345869.2); c.1281AAC[1], p.Thr429del (NM_001345868.2); short protein forms T105del, T429del.
Identifiers: ClinVar variation 1481868 (VCV001481868.9), dbSNP rs758138995, ClinGen allele CA2905594.
Genomic context (GRCh38, chr4:44,689,920, plus strand): 5'-TTTTGCACATGGAAGTTTTCAACCAGCGACTGGAGCAAGAATATAATGCTTCTGTTATTT[TAAC>T]AACCCCTACTGTTCCATATAAAGCTGTACTGTCATCATCAAAATTGATAAAGGTACTTGG-3'